The following is an entry in ClinVar:

ClinVar aggregate classification (germline): Uncertain significance. Review status: criteria provided, multiple submitters, no conflicts (2 of 4 stars). 2 submissions from 2 submitters: Uncertain significance (2). Last evaluated 2024-01-30.

Conditions:
Hypertrophic cardiomyopathy. Also called: HYPERTROPHIC MYOCARDIOPATHY. Identifiers: Orphanet 217569, MedGen C0007194, MeSH D002312, MONDO:0005045, HP:0001639.

Allele frequency attached by ClinVar (database versions not stated): gnomAD 0.00001; gnomAD exomes 0.00002; TOPMed 0.00002; ExAC 0.00003.
gnomAD v4.1: 34 of 1,612,724 alleles (0.0021%); highest among the groups gnomAD compares: East Asian, 0.0089%; no homozygotes.

Submissions (2):

Ambry Genetics
Classification: Uncertain significance. Last evaluated: 2024-01-30. Review status: criteria provided, single submitter. Criteria: Ambry Variant Classification Scheme 2023. Collection method: clinical testing. Allele origin: germline.

Labcorp Genetics (formerly Invitae), Labcorp
Classification: Uncertain significance for Hypertrophic cardiomyopathy. Last evaluated: 2023-11-11. Review status: criteria provided, single submitter. Criteria: Invitae Variant Classification Sherloc (09022015). Collection method: clinical testing. Allele origin: germline.
Comment: This sequence change replaces arginine, which is basic and polar, with tryptophan, which is neutral and slightly polar, at codon 485 of the MYOM1 protein (p.Arg485Trp). This variant is present in population databases (rs776661300, gnomAD 0.006%). This variant has not been reported in the literature in individuals affected with MYOM1-related conditions. ClinVar contains an entry for this variant (Variation ID: 567886). Advanced modeling of protein sequence and biophysical properties (such as structural, functional, and spatial information, amino acid conservation, physicochemical variation, residue mobility, and thermodynamic stability) performed at Invitae indicates that this missense variant is not expected to disrupt MYOM1 protein function with a negative predictive value of 80%. In summary, the available evidence is currently insufficient to determine the role of this variant in disease. Therefore, it has been classified as a Variant of Uncertain Significance.

NM_003803.4(MYOM1):c.1453C>T (p.Arg485Trp)

Gene: MYOM1 (myomesin 1; minus strand). Cytogenetic location: 18p11.31.
Variant type: single nucleotide variant.
Coding change: c.1453C>T on transcript NM_003803.4 (MANE Select); coding-DNA position 1453, C replaced by T.
Protein change: p.Arg485Trp; replaces arginine 485 with tryptophan.
Molecular consequence: missense variant.
Genome position (GRCh38, 1-based): chr18:3,164,326, G>A on the plus strand (C>T on the coding strand, the complement: MYOM1 is on the minus strand). VCF-style: chr18-3164326-G-A. GRCh37 (hg19) VCF-style: chr18-3164324-G-A.
Other names: c.1453C>T, p.Arg485Trp (NM_019856.2); short protein forms R485W.
Identifiers: ClinVar variation 567886 (VCV000567886.9), dbSNP rs776661300, ClinGen allele CA8874947.
Genomic context (GRCh38, chr18:3,164,326, plus strand): 5'-GCTAGGACTTACCTCGAACAAAGACATAAGCACTATATTGTTCATAATATTCTCCCATCC[G>A]TACACGGATTGTATAGAGGCCTTCATCTTCTTTGTTGAGATGGGAAAATGTCAGCGTTGC-3'
Protein context (NP_003794.3, residues 475-495): EDEGLYTIRV[Arg485Trp]MGEYYEQYSA